The following is an entry in ClinVar:

ClinVar aggregate classification (germline): Benign/Likely benign. Review status: criteria provided, multiple submitters, no conflicts (2 of 4 stars). 6 submissions from 6 submitters: Benign (1); Likely benign (4). 1 of the submissions does not count toward it. Last evaluated 2026-02-01.

Conditions:
TFAP2A-related disorder. Also called: TFAP2A-related condition.
Branchiooculofacial syndrome (BOFS). Also called: BOF SYNDROME; HEMANGIOMATOUS BRANCHIAL CLEFTS-LIP PSEUDOCLEFT SYNDROME; LIP PSEUDOCLEFT-HEMANGIOMATOUS BRANCHIAL CYST SYNDROME; Branchio-Oculo-Facial Syndrome. Identifiers: Orphanet 1297, MedGen C0376524, MeSH D019280, MONDO:0007235, OMIM 113620.

Allele frequency attached by ClinVar (database versions not stated): 1000 Genomes Project 0.00040; gnomAD exomes 0.00061 and 0.00161; 1000 Genomes Project 30x 0.00062; ExAC 0.00069; TOPMed 0.00072; gnomAD 0.00073; ESP Exome Variant Server 0.00100.
gnomAD v4.1: 2,414 of 1,614,208 alleles (0.15%); highest among the groups gnomAD compares: Non-Finnish European, 0.2%; 4 homozygotes.

Submissions (6):

Labcorp Genetics (formerly Invitae), Labcorp
Classification: Benign. Last evaluated: 2026-02-01. Review status: criteria provided, single submitter. Criteria: Invitae Variant Classification Sherloc (09022015). Collection method: clinical testing. Allele origin: germline.

CeGaT Center for Human Genetics Tuebingen
Classification: Likely benign. Last evaluated: 2024-12-01. Review status: criteria provided, single submitter. Criteria: CeGaT Center For Human Genetics Tuebingen Variant Classification Criteria Version 2. Collection method: clinical testing. Allele origin: germline. Affected: yes. Observed: 1 variant allele.
Comment: TFAP2A: BP4, BS1

Blueprint Genetics
Classification: Likely benign. Last evaluated: 2024-08-29. Review status: criteria provided, single submitter. Criteria: ACMG Guidelines, 2015. Collection method: clinical testing. Allele origin: germline.

Fulgent Genetics
Classification: Likely benign for Branchiooculofacial syndrome. Last evaluated: 2021-09-08. Review status: criteria provided, single submitter. Criteria: ACMG Guidelines, 2015. Collection method: clinical testing. Allele origin: unknown.

GeneDx
Classification: Likely benign. Last evaluated: 2020-12-09. Review status: criteria provided, single submitter. Criteria: GeneDx Variant Classification Process June 2021. Collection method: clinical testing. Allele origin: germline. Affected: yes.

PreventionGenetics, part of Exact Sciences
Classification: Likely benign for TFAP2A-related condition. Last evaluated: 2019-11-19. Review status: no assertion criteria provided. Collection method: clinical testing. Allele origin: germline. Not counted in ClinVar's aggregate classification.
Comment: This variant is classified as likely benign based on ACMG/AMP sequence variant interpretation guidelines (Richards et al. 2015 PMID: 25741868, with internal and published modifications).

NM_001372066.1(TFAP2A):c.579C>T (p.Ser193=)

Genes: TFAP2A (transcription factor AP-2 alpha; minus strand), TFAP2A-AS2 (TFAP2A antisense RNA 2; plus strand), LOC121740638 (BRD4-independent group 4 enhancer GRCh37_chr6:10403277-10404476; plus strand). Cytogenetic location: 6p24.3.
Variant type: single nucleotide variant.
Coding change: c.579C>T on transcript NM_001372066.1 (MANE Select); coding-DNA position 579, C replaced by T.
Protein change: p.Ser193=; no amino-acid change (serine 193 retained).
Molecular consequence: synonymous variant. On other transcripts: non-coding transcript variant (1).
Genome position (GRCh38, 1-based): chr6:10,404,699, G>A on the plus strand (C>T on the coding strand, the complement: TFAP2A is on the minus strand). VCF-style: chr6-10404699-G-A. GRCh37 (hg19) VCF-style: chr6-10404932-G-A.
Other names: NM_003220.2:c.573C>T; c.555C>T, p.Ser185= (NM_001032280.3); c.561C>T, p.Ser187= (NM_001042425.3).
Identifiers: ClinVar variation 715876 (VCV000715876.29), dbSNP rs143363077, ClinGen allele CA3631288.